The following is an entry in ClinVar:

NM_032043.3(BRIP1):c.40A>T (p.Lys14Ter)

Gene: BRIP1 (BRCA1 interacting DNA helicase 1; minus strand). Cytogenetic location: 17q23.2.
Variant type: single nucleotide variant.
Coding change: c.40A>T on transcript NM_032043.3 (MANE Select); coding-DNA position 40, A replaced by T.
Protein change: p.Lys14Ter; replaces lysine 14 with a stop codon.
Molecular consequence: nonsense.
Genome position (GRCh38, 1-based): chr17:61,861,500, T>A on the plus strand (A>T on the coding strand, the complement: BRIP1 is on the minus strand). VCF-style: chr17-61861500-T-A. GRCh37 (hg19) VCF-style: chr17-59938861-T-A.
Other names: short protein forms K14*.
Identifiers: ClinVar variation 487419 (VCV000487419.9), dbSNP rs1555618727, ClinGen allele CA400486016.

ClinVar aggregate classification (germline): Pathogenic. Review status: criteria provided, multiple submitters, no conflicts (2 of 4 stars). 3 submissions from 3 submitters: Pathogenic (2). 1 of the submissions does not count toward it. Last evaluated 2025-12-30.

Conditions:
Familial cancer of breast. Also called: Hereditary breast cancer; BREAST CANCER, FAMILIAL; hereditary breast carcinoma. Identifiers: Orphanet 227535, MedGen C0346153, MONDO:0016419, OMIM 114480. Disease mechanism: loss of function.
Ovarian cancer. Also called: OVARIAN CANCER, SOMATIC. Identifiers: Orphanet 213500, MedGen C1140680, MONDO:0008170, OMIM 167000.
Fanconi anemia complementation group J. Also called: BRIP1-Related Fanconi Anemia. Identifiers: Orphanet 84, MedGen C1836860, MONDO:0012187, OMIM 609054.
Hereditary cancer-predisposing syndrome. Also called: Tumor predisposition; Hereditary Cancer Syndrome; Neoplastic Syndromes, Hereditary; Hereditary neoplastic syndrome. Identifiers: Orphanet 140162, MedGen C0027672, MeSH D009386, MONDO:0015356.

Submissions (3):

Ambry Genetics
Classification: Pathogenic for Hereditary cancer-predisposing syndrome. Last evaluated: 2025-12-30. Review status: criteria provided, single submitter. Criteria: Ambry Variant Classification Scheme 2023. Collection method: clinical testing. Allele origin: germline.
Comment: The p.K14* pathogenic mutation (also known as c.40A>T), located in coding exon 1 of the BRIP1 gene, results from an A to T substitution at nucleotide position 40. This changes the amino acid from a lysine to a stop codon within coding exon 1. This alteration is expected to result in loss of function by premature protein truncation or nonsense-mediated mRNA decay. As such, this alteration is interpreted as a disease-causing mutation.

Myriad Genetics, Inc.
Classification: Pathogenic for Familial cancer of breast. Last evaluated: 2023-02-27. Review status: criteria provided, single submitter. Criteria: Myriad Autosomal Dominant, Autosomal Recessive and X-Linked Classification Criteria (2023). Collection method: clinical testing. Allele origin: unknown.
Comment: This variant is considered pathogenic. This variant creates a termination codon and is predicted to result in premature protein truncation.

Counsyl
Classification: Likely pathogenic for Fanconi anemia complementation group J; Ovarian cancer. Last evaluated: 2017-01-20. Review status: no assertion criteria provided. Collection method: clinical testing. Allele origin: unknown. Not counted in ClinVar's aggregate classification.